The following is an entry in ClinVar:

ClinVar aggregate classification (germline): Uncertain significance (1 of 4 stars; one submission).

Submission:

GeneDx
Classification: Uncertain significance. Last evaluated: 2024-12-31. Review status: criteria provided, single submitter. Criteria: GeneDx Variant Classification Process June 2021. Collection method: clinical testing. Allele origin: germline. Affected: yes.
Comment: Not observed at significant frequency in large population cohorts (gnomAD); In silico analysis supports that this missense variant has a deleterious effect on protein structure/function; Has not been previously published as pathogenic or benign to our knowledge

NM_033118.4(MYLK2):c.1552T>C (p.Ser518Pro)

Gene: MYLK2 (myosin light chain kinase 2; plus strand). Cytogenetic location: 20q11.21.
Variant type: single nucleotide variant.
Coding change: c.1552T>C on transcript NM_033118.4 (MANE Select); coding-DNA position 1552, T replaced by C.
Protein change: p.Ser518Pro; replaces serine 518 with proline.
Molecular consequence: missense variant.
Genome position (GRCh38, 1-based): chr20:31,831,830, T>C. VCF-style: chr20-31831830-T-C. GRCh37 (hg19) VCF-style: chr20-30419633-T-C.
Other names: short protein forms S518P.
Identifiers: ClinVar variation 3908057 (VCV003908057.1).